The following is an entry in ClinVar:

ClinVar aggregate classification (germline): Uncertain significance (1 of 4 stars; one submission).

Submission:

Labcorp Genetics (formerly Invitae), Labcorp
Classification: Uncertain significance. Last evaluated: 2025-05-28. Review status: criteria provided, single submitter. Criteria: Invitae Variant Classification Sherloc (09022015). Collection method: clinical testing. Allele origin: germline.
Comment: This sequence change falls in intron 8 of the LYN gene. It does not directly change the encoded amino acid sequence of the LYN protein. Information on the frequency of this variant in the gnomAD database is not available, as this variant may be reported differently in the database. This variant has not been reported in the literature in individuals affected with LYN-related conditions. ClinVar contains an entry for this variant (Variation ID: 2899694). Experimental studies and prediction algorithms are not available or were not evaluated, and the effect of this variant on mRNA splicing is currently unknown. In summary, the available evidence is currently insufficient to determine the role of this variant in disease. Therefore, it has been classified as a Variant of Uncertain Significance.

NM_002350.4(LYN):c.791-9_791-8delinsAA

Gene: LYN (LYN proto-oncogene, Src family tyrosine kinase; plus strand). Cytogenetic location: 8q12.1.
Variant type: Indel.
Coding change: c.791-9_791-8delinsAA on transcript NM_002350.4 (MANE Select); 9 bases into the intron before coding-DNA position 791 through 8 bases into the intron before coding-DNA position 791, TC replaced by AA.
Molecular consequence: intron variant.
Genome position (GRCh38, 1-based): chr8:55,966,706-55,966,707, TC replaced by AA. VCF-style: chr8-55966706-TC-AA. GRCh37 (hg19) VCF-style: chr8-56879265-TC-AA.
Other names: c.728-9_728-8delinsAA (NM_001111097.3).
Identifiers: ClinVar variation 2899694 (VCV002899694.3), dbSNP rs2487551219, ClinGen allele CA2739278892.